The following is an entry in ClinVar:

ClinVar aggregate classification (germline): Uncertain significance (1 of 4 stars; one submission).

gnomAD v4.1: 7 of 1,604,454 alleles (0.00044%); highest among the groups gnomAD compares: Non-Finnish European, 0.00051%; no homozygotes.

Submission:

Labcorp Genetics (formerly Invitae), Labcorp
Classification: Uncertain significance. Last evaluated: 2025-11-27. Review status: criteria provided, single submitter. Criteria: Invitae Variant Classification Sherloc (09022015). Collection method: clinical testing. Allele origin: germline.
Comment: This sequence change replaces glutamic acid, which is acidic and polar, with lysine, which is basic and polar, at codon 954 of the GUCY2C protein (p.Glu954Lys). This variant is present in population databases (no rsID available, gnomAD 0.0009%). This variant has not been reported in the literature in individuals affected with GUCY2C-related conditions. Invitae Evidence Modeling of protein sequence and biophysical properties (such as structural, functional, and spatial information, amino acid conservation, physicochemical variation, residue mobility, and thermodynamic stability) indicates that this missense variant is expected to disrupt GUCY2C protein function with a positive predictive value of 80%. In summary, the available evidence is currently insufficient to determine the role of this variant in disease. Therefore, it has been classified as a Variant of Uncertain Significance.

NM_004963.4(GUCY2C):c.2860G>A (p.Glu954Lys)

Genes: GUCY2C (guanylate cyclase 2C; minus strand), PLBD1-AS1 (PLBD1 antisense RNA 1; plus strand). Cytogenetic location: 12p12.3.
Variant type: single nucleotide variant.
Coding change: c.2860G>A on transcript NM_004963.4 (MANE Select); coding-DNA position 2860, G replaced by A.
Protein change: p.Glu954Lys; replaces glutamic acid 954 with lysine.
Molecular consequence: missense variant. On other transcripts: non-coding transcript variant (1).
Genome position (GRCh38, 1-based): chr12:14,619,226, C>T on the plus strand (G>A on the coding strand, the complement: GUCY2C is on the minus strand). VCF-style: chr12-14619226-C-T. GRCh37 (hg19) VCF-style: chr12-14772160-C-T.
Other names: short protein forms E954K.
Identifiers: ClinVar variation 4694938 (VCV004694938.1).